The following is an entry in ClinVar:

ClinVar aggregate classification (germline): Pathogenic. Review status: criteria provided, single submitter (1 of 4 stars). 2 submissions from 2 submitters: Pathogenic (1). 1 of the submissions does not count toward it. Last evaluated 2025-05-13.

Conditions:
Hypertrophic cardiomyopathy 4. Also called: Familial hypertrophic cardiomyopathy 4. Identifiers: MedGen C1861862, MONDO:0007268, OMIM 115197.
Hypertrophic cardiomyopathy. Also called: HYPERTROPHIC MYOCARDIOPATHY. Identifiers: Orphanet 217569, MedGen C0007194, MeSH D002312, MONDO:0005045, HP:0001639.

Submissions (2):

Labcorp Genetics (formerly Invitae), Labcorp
Classification: Pathogenic for Hypertrophic cardiomyopathy. Last evaluated: 2025-05-13. Review status: criteria provided, single submitter. Criteria: Invitae Variant Classification Sherloc (09022015). Collection method: clinical testing. Allele origin: germline.
Comment: This sequence change creates a premature translational stop signal (p.Ser928*) in the MYBPC3 gene. It is expected to result in an absent or disrupted protein product. Loss-of-function variants in MYBPC3 are known to be pathogenic (PMID: 19574547). This variant is not present in population databases (gnomAD no frequency). This premature translational stop signal has been observed in individual(s) with MYBPC3-related conditions (PMID: 30731207). Algorithms developed to predict the effect of sequence changes on RNA splicing suggest that this variant may disrupt the consensus splice site. For these reasons, this variant has been classified as Pathogenic.

Institute of Human Genetics, University of Wuerzburg
Classification: Pathogenic for Hypertrophic cardiomyopathy 4. Review status: no assertion criteria provided. Collection method: clinical testing. Allele origin: unknown. Affected: yes. Observed: 1 variant allele. Not counted in ClinVar's aggregate classification.

Literature cited by the submitters: PubMed 19574547 (cited by Labcorp Genetics (formerly Invitae), Labcorp); PubMed 30731207 (cited by Labcorp Genetics (formerly Invitae), Labcorp).

NM_000256.3(MYBPC3):c.2783C>A (p.Ser928Ter)

Gene: MYBPC3 (myosin binding protein C3; minus strand). Cytogenetic location: 11p11.2.
Variant type: single nucleotide variant.
Coding change: c.2783C>A on transcript NM_000256.3 (MANE Select); coding-DNA position 2783, C replaced by A.
Protein change: p.Ser928Ter; replaces serine 928 with a stop codon.
Molecular consequence: nonsense.
Genome position (GRCh38, 1-based): chr11:47,335,164, G>T on the plus strand (C>A on the coding strand, the complement: MYBPC3 is on the minus strand). VCF-style: chr11-47335164-G-T. GRCh37 (hg19) VCF-style: chr11-47356715-G-T.
Other names: short protein forms S928*.
Identifiers: ClinVar variation 3338109 (VCV003338109.2).